The following is an entry in ClinVar:

ClinVar aggregate classification (germline): Uncertain significance. Review status: criteria provided, multiple submitters, no conflicts (2 of 4 stars). 3 submissions from 3 submitters: Uncertain significance (2). 1 of the submissions does not count toward it. Last evaluated 2023-12-20.

Conditions:
Inborn genetic diseases. Identifiers: MedGen C0950123, MeSH D030342.
MHC class II deficiency. Also called: Bare lymphocyte syndrome 2; BLS, TYPE II. Identifiers: Orphanet 572, MedGen C5447452, MONDO:0008855.

Allele frequency attached by ClinVar (database versions not stated): TOPMed 0.00002; 1000 Genomes Project 30x 0.00016; 1000 Genomes Project 0.00020.
gnomAD v4.1: 35 of 1,613,526 alleles (0.0022%); highest among the groups gnomAD compares: East Asian, 0.013%; no homozygotes.

Submissions (3):

Ambry Genetics
Classification: Uncertain significance for Inborn genetic diseases. Last evaluated: 2023-12-20. Review status: criteria provided, single submitter. Criteria: Ambry Variant Classification Scheme 2023. Collection method: clinical testing. Allele origin: germline.

Labcorp Genetics (formerly Invitae), Labcorp
Classification: Uncertain significance for MHC class II deficiency. Last evaluated: 2021-09-17. Review status: criteria provided, single submitter. Criteria: Invitae Variant Classification Sherloc (09022015). Collection method: clinical testing. Allele origin: germline.
Comment: This sequence change replaces arginine with tryptophan at codon 390 of the CIITA protein (p.Arg390Trp). The arginine residue is highly conserved and there is a moderate physicochemical difference between arginine and tryptophan. This variant is present in population databases (rs182369772, ExAC 0.02%). This variant has not been reported in the literature in individuals with CIITA-related conditions. Algorithms developed to predict the effect of missense changes on protein structure and function (SIFT, PolyPhen-2, Align-GVGD) all suggest that this variant is likely to be disruptive, but these predictions have not been confirmed by published functional studies and their clinical significance is uncertain. In summary, the available evidence is currently insufficient to determine the role of this variant in disease. Therefore, it has been classified as a Variant of Uncertain Significance.

Natera, Inc.
Classification: Uncertain significance for Bare lymphocyte syndrome type II. Last evaluated: 2020-04-24. Review status: no assertion criteria provided. Collection method: clinical testing. Allele origin: germline. Not counted in ClinVar's aggregate classification.

NM_000246.4(CIITA):c.1168C>T (p.Arg390Trp)

Gene: CIITA (class II major histocompatibility complex transactivator; plus strand). Cytogenetic location: 16p13.13.
Variant type: single nucleotide variant.
Coding change: c.1168C>T on transcript NM_000246.4 (MANE Select); coding-DNA position 1168, C replaced by T.
Protein change: p.Arg390Trp; replaces arginine 390 with tryptophan.
Molecular consequence: missense variant. On other transcripts: intron variant (1).
Genome position (GRCh38, 1-based): chr16:10,906,660, C>T. VCF-style: chr16-10906660-C-T. GRCh37 (hg19) VCF-style: chr16-11000517-C-T.
Other names: c.1171C>T, p.Arg391Trp (NM_001286402.1, NM_001379332.1); c.1024C>T, p.Arg342Trp (NM_001379330.1); c.1021C>T, p.Arg341Trp (NM_001379331.1); c.1168C>T, p.Arg390Trp (NM_001379333.1); c.1099C>T, p.Arg367Trp (NM_001379334.1); c.859+1848C>T (NM_001286403.2); short protein forms R341W, R342W, R367W, R390W, R391W.
Identifiers: ClinVar variation 991988 (VCV000991988.4), dbSNP rs182369772, ClinGen allele CA7900072.